The following is an entry in ClinVar:

ClinVar aggregate classification (germline): Likely benign (1 of 4 stars; one submission).

Submission:

CeGaT Center for Human Genetics Tuebingen
Classification: Likely benign. Last evaluated: 2022-09-01. Review status: criteria provided, single submitter. Criteria: CeGaT Center For Human Genetics Tuebingen Variant Classification Criteria Version 2. Collection method: clinical testing. Allele origin: germline. Affected: yes. Observed: 1 variant allele.
Comment: WSCD1: PM2:Supporting, BP4, BP7

NM_001388405.1(WSCD1):c.-289+64G>A

Gene: WSCD1 (WSC domain sialate O sulfotransferase 1; plus strand). Cytogenetic location: 17p13.2.
Variant type: single nucleotide variant.
Coding change: c.-289+64G>A on transcript NM_001388405.1; 64 bases into the intron after 289 bases upstream of the start codon, G replaced by A.
Molecular consequence: intron variant. On other transcripts: 5 prime UTR variant (1).
Genome position (GRCh38, 1-based): chr17:6,069,271, G>A. VCF-style: chr17-6069271-G-A. GRCh37 (hg19) VCF-style: chr17-5972591-G-A.
Other names: c.-118G>A (NM_001388408.1).
Identifiers: ClinVar variation 2647306 (VCV002647306.22), dbSNP rs1567546141, ClinGen allele CA2245144814.